The following is an entry in ClinVar:

NM_000059.4(BRCA2):c.5140T>C (p.Tyr1714His)

Gene: BRCA2 (BRCA2 DNA repair associated; plus strand). Cytogenetic location: 13q13.1.
Variant type: single nucleotide variant.
Coding change: c.5140T>C on transcript NM_000059.4 (MANE Select); coding-DNA position 5140, T replaced by C.
Protein change: p.Tyr1714His; replaces tyrosine 1714 with histidine.
Molecular consequence: missense variant.
Genome position (GRCh38, 1-based): chr13:32,339,495, T>C. VCF-style: chr13-32339495-T-C. GRCh37 (hg19) VCF-style: chr13-32913632-T-C.
Other names: c.5140T>C, p.Tyr1714His (NM_001406719.1, NM_001406720.1); short protein forms Y1714H.
Identifiers: ClinVar variation 1745611 (VCV001745611.4), dbSNP rs2137514343, ClinGen allele CA387784195.

ClinVar aggregate classification (germline): Conflicting classifications of pathogenicity. Review status: criteria provided, conflicting classifications (1 of 4 stars). 2 submissions from 2 submitters: Uncertain significance (1); Likely benign (1). Last evaluated 2023-03-23.

Conditions:
Hereditary cancer-predisposing syndrome. Also called: Hereditary Cancer Syndrome; Neoplastic Syndromes, Hereditary; Tumor predisposition; Hereditary neoplastic syndrome. Identifiers: Orphanet 140162, MedGen C0027672, MeSH D009386, MONDO:0015356.

Submissions (2):

University of Washington Department of Laboratory Medicine, University of Washington
Classification: Likely benign for Hereditary cancer-predisposing syndrome. Last evaluated: 2023-03-23. Review status: criteria provided, single submitter. Criteria: Dines et al. (Genet Med. 2020). Collection method: curation. Allele origin: germline.
Comment: Missense variant in a coldspot region where missense variants are very unlikely to be pathogenic (PMID:31911673).

BRCA2 exon 11 coldspot. Reclassification based on statistical prior probability.

Ambry Genetics
Classification: Uncertain significance for Hereditary cancer-predisposing syndrome. Last evaluated: 2020-12-24. Review status: criteria provided, single submitter. Criteria: Ambry Variant Classification Scheme 2023. Collection method: clinical testing. Allele origin: germline.
Comment: The p.Y1714H variant (also known as c.5140T>C), located in coding exon 10 of the BRCA2 gene, results from a T to C substitution at nucleotide position 5140. The tyrosine at codon 1714 is replaced by histidine, an amino acid with similar properties. This amino acid position is poorly conserved in available vertebrate species. In addition, this alteration is predicted to be tolerated by in silico analysis. Since supporting evidence is limited at this time, the clinical significance of this alteration remains unclear.